The following is an entry in ClinVar:

ClinVar aggregate classification (germline): Uncertain significance (1 of 4 stars; one submission).

Conditions:
Hereditary cancer-predisposing syndrome. Also called: Tumor predisposition; Hereditary Cancer Syndrome; Hereditary neoplastic syndrome; Neoplastic Syndromes, Hereditary. Identifiers: Orphanet 140162, MedGen C0027672, MeSH D009386, MONDO:0015356.

Submission:

Ambry Genetics
Classification: Uncertain significance for Hereditary cancer-predisposing syndrome. Last evaluated: 2024-06-14. Review status: criteria provided, single submitter. Criteria: Ambry Variant Classification Scheme 2023. Collection method: clinical testing. Allele origin: germline.
Comment: The p.V1219L variant (also known as c.3655G>C), located in coding exon 17 of the MET gene, results from a G to C substitution at nucleotide position 3655. The valine at codon 1219 is replaced by leucine, an amino acid with highly similar properties. This amino acid position is conserved. In addition, this alteration is predicted to be deleterious by in silico analysis. Based on the available evidence, the clinical significance of this variant remains unclear.

NM_000245.4(MET):c.3601G>C (p.Val1201Leu)

Gene: MET (MET proto-oncogene, receptor tyrosine kinase; plus strand). Cytogenetic location: 7q31.2.
Variant type: single nucleotide variant.
Coding change: c.3601G>C on transcript NM_000245.4 (MANE Select); coding-DNA position 3601, G replaced by C.
Protein change: p.Val1201Leu; replaces valine 1201 with leucine.
Molecular consequence: missense variant.
Genome position (GRCh38, 1-based): chr7:116,782,066, G>C. VCF-style: chr7-116782066-G-C. GRCh37 (hg19) VCF-style: chr7-116422120-G-C.
Other names: c.3655G>C, p.Val1219Leu (NM_001127500.3); c.2311G>C, p.Val771Leu (NM_001324402.2); short protein forms V771L, V1201L, V1219L.
Identifiers: ClinVar variation 3294382 (VCV003294382.1).